The following is an entry in ClinVar:

NM_001009944.3(PKD1):c.5866G>T (p.Val1956Leu)

Gene: PKD1 (polycystin 1, transient receptor potential channel interacting; minus strand). Cytogenetic location: 16p13.3.
Variant type: single nucleotide variant.
Coding change: c.5866G>T on transcript NM_001009944.3 (MANE Select); coding-DNA position 5866, G replaced by T.
Protein change: p.Val1956Leu; replaces valine 1956 with leucine.
Molecular consequence: missense variant.
Genome position (GRCh38, 1-based): chr16:2,109,301, C>A on the plus strand (G>T on the coding strand, the complement: PKD1 is on the minus strand). VCF-style: chr16-2109301-C-A. GRCh37 (hg19) VCF-style: chr16-2159302-C-A.
Other names: c.5866G>T, p.Val1956Leu (NM_000296.4); c.5866G>T (NM_000296.3); short protein forms V1956L.
Identifiers: ClinVar variation 994387 (VCV000994387.10), dbSNP rs781454286, ClinGen allele CA7831822.
Genomic context (GRCh38, chr16:2,109,301, plus strand): 5'-CCTGCAGCCCACTCACGGCCTCCAGCACCACGATGCGCACCTGCGCCTGGGCCCAGCTCA[C>A]GTGGTTTTTGCCCCGCACGCTCACCACGTGGTCTCCGACGCGGGGGAAGCTGTGGGAGAA-3'
Protein context (NP_001009944.3, residues 1946-1966): HVVSVRGKNH[Val1956Leu]SWAQAQVRIV

ClinVar aggregate classification (germline): Uncertain significance. Review status: criteria provided, multiple submitters, no conflicts (2 of 4 stars). 2 submissions from 2 submitters: Uncertain significance (2). Last evaluated 2021-08-17.

Conditions:
Inborn genetic diseases. Identifiers: MedGen C0950123, MeSH D030342.
Polycystic kidney disease, adult type (PKD1). Also called: Polycystic Kidney Disease 1, Autosomal Dominant; Polycystic kidney disease 1; Polycystic kidney disease 1, severe; POLYCYSTIC KIDNEY DISEASE, ADULT, TYPE I; POLYCYSTIC KIDNEY DISEASE 1 WITH OR WITHOUT POLYCYSTIC LIVER DISEASE; Polycystic Kidney, Autosomal Dominant. Identifiers: MedGen C3149841, MONDO:0008263, OMIM 173900.

Allele frequency attached by ClinVar (database versions not stated): TOPMed 0.00006.
gnomAD v4.1: 23 of 1,585,034 alleles (0.0015%); highest among the groups gnomAD compares: Admixed American, 0.037%; no homozygotes.

Submissions (2):

Ambry Genetics
Classification: Uncertain significance for Inborn genetic diseases. Last evaluated: 2021-08-17. Review status: criteria provided, single submitter. Criteria: Ambry Variant Classification Scheme 2023. Collection method: clinical testing. Allele origin: germline.

ARUP Laboratories, Molecular Genetics and Genomics, ARUP Laboratories
Classification: Uncertain significance for Polycystic kidney disease, adult type. Last evaluated: 2019-08-15. Review status: criteria provided, single submitter. Criteria: ARUP Molecular Germline Variant Investigation Process. Collection method: clinical testing. Allele origin: germline.
Comment: The PKD1 c.5866G>T; p.Val1956Leu variant (rs760879762), to our knowledge, is not reported in the medical literature or gene specific databases. This variant is found in the Latino population with an allele frequency of 0.046% (16/34784 alleles) in the Genome Aggregation Database. The valine at codon 1956 is moderately conserved, and computational analyses (SIFT, PolyPhen-2) predict that this variant is deleterious. Additionally, another variant at this codon (c.5867T>A, p.Val1956Glu) has been reported in an individual affected with polycystic kidney disease (Phakdeekitcharoen 2000). However, given the lack of clinical and functional data, the significance of the p.Val1956Leu variant is uncertain at this time. References: Phakdeekitcharoen B et al. Thirteen novel mutations of the replicated region of PKD1 in an Asian population. Kidney Int. 2000 Oct;58(4):1400-12.